The following is an entry in ClinVar:

ClinVar aggregate classification (germline): Uncertain significance (1 of 4 stars; one submission).

Submission:

Labcorp Genetics (formerly Invitae), Labcorp
Classification: Uncertain significance. Last evaluated: 2023-09-29. Review status: criteria provided, single submitter. Criteria: Invitae Variant Classification Sherloc (09022015). Collection method: clinical testing. Allele origin: germline.
Comment: In summary, the available evidence is currently insufficient to determine the role of this variant in disease. Therefore, it has been classified as a Variant of Uncertain Significance. Experimental studies and prediction algorithms are not available or were not evaluated, and the functional significance of this variant is currently unknown. This variant has not been reported in the literature in individuals affected with DCHS1-related conditions. This variant is not present in population databases (gnomAD no frequency). This sequence change creates a premature translational stop signal (p.Pro3112Alafs*51) in the DCHS1 gene. While this is not anticipated to result in nonsense mediated decay, it is expected to disrupt the last 187 amino acid(s) of the DCHS1 protein.

NM_003737.4(DCHS1):c.9333dup (p.Pro3112fs)

Gene: DCHS1 (dachsous cadherin-related 1; minus strand). Cytogenetic location: 11p15.4.
Variant type: Duplication.
Coding change: c.9333dup on transcript NM_003737.4 (MANE Select); coding-DNA position 9333, one base duplicated (G; older notation c.9333dupG).
Protein change: p.Pro3112fs; shifts the reading frame from proline 3112.
Molecular consequence: frameshift variant.
Genome position (GRCh38, 1-based): chr11:6,622,343, C duplicated on the plus strand (G on the coding strand, the reverse complement: DCHS1 is on the minus strand); the first of 4 consecutive C bases (chr11:6,622,343-6,622,346); duplicating any one gives the same sequence. VCF-style (leftmost placement, unchanged base first): chr11-6622342-G-GC. GRCh37 (hg19) VCF-style: chr11-6643573-G-GC.
Other names: short protein forms P3112fs.
Identifiers: ClinVar variation 2763750 (VCV002763750.3), dbSNP rs2493808675, ClinGen allele CA2697548413.